The following is an entry in ClinVar:

NM_015346.4(ZFYVE26):c.6444_6446dup (p.Val2148_Ile2149insMet)

Gene: ZFYVE26 (zinc finger FYVE-type containing 26; minus strand). Cytogenetic location: 14q24.1.
Variant type: Duplication.
Coding change: c.6444_6446dup on transcript NM_015346.4 (MANE Select); coding-DNA positions 6444 to 6446, 3 bases duplicated (GAT; older notation c.6444_6446dupGAT).
Protein change: p.Val2148_Ile2149insMet.
Molecular consequence: inframe insertion.
Genome position (GRCh38, 1-based): chr14:67,761,508-67,761,510, ATC duplicated on the plus strand (GAT on the coding strand, the reverse complement: ZFYVE26 is on the minus strand); duplicating any 3 consecutive bases within chr14:67,761,508-67,761,511 gives the same sequence; the c. name uses the placement nearest the transcript's 3' end. VCF-style (leftmost placement, unchanged base first): chr14-67761507-A-AATC. GRCh37 (hg19) VCF-style: chr14-68228224-A-AATC.
Identifiers: ClinVar variation 5003985 (VCV005003985.1).

ClinVar aggregate classification (germline): Uncertain significance (1 of 4 stars; one submission).

Conditions:
Hereditary spastic paraplegia 15 (SPG15). Also called: SPASTIC PARAPLEGIA AND RETINAL DEGENERATION; SPASTIC PARAPLEGIA 15, AUTOSOMAL RECESSIVE; KJELLIN SYNDROME. Identifiers: Orphanet 100996, MedGen C1849128, MONDO:0010044, OMIM 270700.

Submission:

Myriad Genetics, Inc.
Classification: Uncertain significance for Hereditary spastic paraplegia 15. Last evaluated: 2026-03-16. Review status: criteria provided, single submitter. Criteria: Myriad Autosomal Dominant, Autosomal Recessive and X-Linked Classification Criteria (2023). Collection method: clinical testing. Allele origin: unknown.
Comment: NM_015346.3(ZFYVE26):c.6444_6446dupGAT(V2148_I2149insM) is an in-frame insertion classified as a variant of uncertain significance in the context of spastic paraplegia type 15. V2148_I2149insM has not been observed in cases with relevant disease. Relevant functional assessments of this variant are not available in the literature. V2148_I2149insM has not been observed in referenced population frequency databases. In summary, there is insufficient evidence to classify NM_015346.3(ZFYVE26):c.6444_6446dupGAT(V2148_I2149insM) as pathogenic or benign. Please note: this variant was assessed in the context of healthy population screening.